The following is an entry in ClinVar:

ClinVar aggregate classification (germline): Uncertain significance (1 of 4 stars; one submission).

Conditions:
Haddad syndrome (OHD). Also called: Ondine-Hirschsprung disease. Identifiers: Orphanet 99803, MedGen C1859049, MONDO:0020493.

gnomAD v4.1: 2 of 1,614,136 alleles (0.00012%); highest among the groups gnomAD compares: Non-Finnish European, 0.00017%; no homozygotes.

Submission:

Labcorp Genetics (formerly Invitae), Labcorp
Classification: Uncertain significance for Haddad syndrome. Last evaluated: 2023-11-13. Review status: criteria provided, single submitter. Criteria: Invitae Variant Classification Sherloc (09022015). Collection method: clinical testing. Allele origin: germline.
Comment: This sequence change replaces glycine, which is neutral and non-polar, with glutamic acid, which is acidic and polar, at codon 52 of the PHOX2B protein (p.Gly52Glu). This variant is not present in population databases (gnomAD no frequency). This variant has not been reported in the literature in individuals affected with PHOX2B-related conditions. Advanced modeling of protein sequence and biophysical properties (such as structural, functional, and spatial information, amino acid conservation, physicochemical variation, residue mobility, and thermodynamic stability) performed at Invitae indicates that this missense variant is not expected to disrupt PHOX2B protein function with a negative predictive value of 80%. In summary, the available evidence is currently insufficient to determine the role of this variant in disease. Therefore, it has been classified as a Variant of Uncertain Significance.

NM_003924.4(PHOX2B):c.155G>A (p.Gly52Glu)

Genes: PHOX2B (paired like homeobox 2B; minus strand), PHOX2B-AS1 (PHOX2B antisense RNA 1; plus strand). Cytogenetic location: 4p13.
Variant type: single nucleotide variant.
Coding change: c.155G>A on transcript NM_003924.4 (MANE Select); coding-DNA position 155, G replaced by A.
Protein change: p.Gly52Glu; replaces glycine 52 with glutamic acid.
Molecular consequence: missense variant. On other transcripts: non-coding transcript variant (1).
Genome position (GRCh38, 1-based): chr4:41,748,456, C>T on the plus strand (G>A on the coding strand, the complement: PHOX2B is on the minus strand). VCF-style: chr4-41748456-C-T. GRCh37 (hg19) VCF-style: chr4-41750473-C-T.
Other names: short protein forms G52E.
Identifiers: ClinVar variation 2838750 (VCV002838750.3), dbSNP rs2552097174, ClinGen allele CA356740960.
Genomic context (GRCh38, chr4:41,748,456, plus strand): 5'-TCCCTGAGGGTGCCCAGGCTGCAGGATCCCGGCGTGAGGGAAGGGCAGCCGGACGTGGCC[C>T]CAAAAGTGGTCCTTATCGGGTTATACTGGAAGCCACTGGCCTGGCTGCAGGAACTGAAGT-3'
Protein context (NP_003915.2, residues 42-62): FQYNPIRTTF[Gly52Glu]ATSGCPSLTP